The following is an entry in ClinVar:

ClinVar aggregate classification (germline): Benign. Review status: criteria provided, multiple submitters, no conflicts (2 of 4 stars). 2 submissions from 2 submitters: Benign (2). Last evaluated 2018-01-12.

Conditions:
Mucopolysaccharidosis, MPS-III-D (MPS3D). Also called: MPS IIID (Sanfilippo Syndrome Type D); MPS III D; Mucopoly-saccharidosis type 3D; N-acetylglucosamine-6-sulfate sulfatase deficiency; MPS 3D; N-ACETYLGLUCOSAMINE-6-SULFATASE DEFICIENCY. Identifiers: Orphanet 581, Orphanet 79272, MedGen C0086650, MONDO:0009658, OMIM 252940.

Allele frequency attached by ClinVar (database versions not stated): TOPMed 0.51927; gnomAD 0.52503 and 0.53704; 1000 Genomes Project 30x 0.59697; 1000 Genomes Project 0.60643; gnomAD exomes 0.78571.
gnomAD v4.1: 81,583 of 151,998 alleles (54%); highest among the groups gnomAD compares: East Asian, 88%; 22,867 homozygotes.

Submissions (2):

Illumina Laboratory Services, Illumina
Classification: Benign for Mucopolysaccharidosis, MPS-III-D. Last evaluated: 2018-01-12. Review status: criteria provided, single submitter. Criteria: ICSL Variant Classification Criteria 13 December 2019. Collection method: clinical testing. Allele origin: germline.
Comment: This variant was observed in the ICSL laboratory as part of a predisposition screen in an ostensibly healthy population. It had not been previously curated by ICSL or reported in the Human Gene Mutation Database (HGMD: prior to June 1st, 2018), and was therefore a candidate for classification through an automated scoring system. Utilizing variant allele frequency, disease prevalence and penetrance estimates, and inheritance mode, an automated score was calculated to assess if this variant is too frequent to cause the disease. Based on the score and internal cut-off values, a variant classified as benign is not then subjected to further curation. The score for this variant resulted in a classification of benign for this disease.

Breakthrough Genomics
Classification: Benign. Review status: criteria provided, single submitter. Criteria: ACMG Guidelines, 2015. Collection method: not provided. Allele origin: germline. Inheritance: Autosomal recessive inheritance. Affected: yes.

NM_002076.4(GNS):c.*2361C>G

Gene: GNS (glucosamine (N-acetyl)-6-sulfatase; minus strand). Cytogenetic location: 12q14.3.
Variant type: single nucleotide variant.
Coding change: c.*2361C>G on transcript NM_002076.4 (MANE Select); 2361 bases downstream of the stop codon, C replaced by G.
Molecular consequence: 3 prime UTR variant.
Genome position (GRCh38, 1-based): chr12:64,714,380, G>C on the plus strand (C>G on the coding strand, the complement: GNS is on the minus strand). VCF-style: chr12-64714380-G-C. GRCh37 (hg19) VCF-style: chr12-65108160-G-C.
Identifiers: ClinVar variation 310175 (VCV000310175.6), dbSNP rs1061743, ClinGen allele CA10642262.
Genomic context (GRCh38, chr12:64,714,380, plus strand): 5'-CTCACCTTCTTAACATGGAAAATCAAAATCTAAATGAATACAATTAAAAGGAGGCAGCAA[G>C]CTTCTTGCAGTGGGTCCCTTAAACATTATGAAAACATCAGTGCATTGTGTAGTCTGTTAC-3'